The following is an entry in ClinVar:

NM_000548.5(TSC2):c.4863C>A (p.Ile1621=)

Gene: TSC2 (TSC complex subunit 2; plus strand). Cytogenetic location: 16p13.3.
Variant type: single nucleotide variant.
Coding change: c.4863C>A on transcript NM_000548.5 (MANE Select); coding-DNA position 4863, C replaced by A.
Protein change: p.Ile1621=; no amino-acid change (isoleucine 1621 retained).
Molecular consequence: synonymous variant. On other transcripts: non-coding transcript variant (4).
Genome position (GRCh38, 1-based): chr16:2,086,745, C>A. VCF-style: chr16-2086745-C-A. GRCh37 (hg19) VCF-style: chr16-2136746-C-A.
Other names: c.4662C>A, p.Ile1554= (NM_001077183.3); c.4794C>A, p.Ile1598= (NM_001114382.3); c.4554C>A, p.Ile1518= (NM_001318827.2); c.4518C>A, p.Ile1506= (NM_001318829.2); c.4131C>A, p.Ile1377= (NM_001318831.2); c.4695C>A, p.Ile1565= (NM_001318832.2); c.4665C>A, p.Ile1555= (NM_001363528.2); c.4731C>A, p.Ile1577= (NM_001370404.1); and 26 more.
Identifiers: ClinVar variation 2626406 (VCV002626406.5), dbSNP rs142085017, ClinGen allele CA492959708.

ClinVar aggregate classification (germline): Conflicting classifications of pathogenicity. Review status: criteria provided, conflicting classifications (1 of 4 stars). 2 submissions from 2 submitters: Pathogenic (1); Uncertain significance (1). Last evaluated 2025-05-05.

Conditions:
Tuberous sclerosis 2 (TSC2). Identifiers: Orphanet 805, MedGen C1860707, MONDO:0013199, OMIM 613254.
Hereditary cancer-predisposing syndrome. Also called: Tumor predisposition; Neoplastic Syndromes, Hereditary; Hereditary Cancer Syndrome; Hereditary neoplastic syndrome. Identifiers: Orphanet 140162, MedGen C0027672, MeSH D009386, MONDO:0015356.

Submissions (2):

Labcorp Genetics (formerly Invitae), Labcorp
Classification: Pathogenic for Tuberous sclerosis 2. Last evaluated: 2025-05-05. Review status: criteria provided, single submitter. Criteria: Invitae Variant Classification Sherloc (09022015). Collection method: clinical testing. Allele origin: germline.
Comment: This sequence change affects codon 1621 of the TSC2 mRNA. It is a 'silent' change, meaning that it does not change the encoded amino acid sequence of the TSC2 protein. This variant is not present in population databases (gnomAD no frequency). This variant has been observed in individual(s) with clinical features of tuberous sclerosis complex (internal data). In at least one individual the variant was observed to be de novo. ClinVar contains an entry for this variant (Variation ID: 2626406). Algorithms developed to predict the effect of sequence changes on RNA splicing suggest that this variant may disrupt the consensus splice site. For these reasons, this variant has been classified as Pathogenic.

Ambry Genetics
Classification: Uncertain significance for Hereditary cancer-predisposing syndrome. Last evaluated: 2023-06-20. Review status: criteria provided, single submitter. Criteria: Ambry Variant Classification Scheme 2023. Collection method: clinical testing. Allele origin: germline.
Comment: The c.4863C>A variant (also known as p.I1621I), located in coding exon 37 of the TSC2 gene, results from a C to A substitution at nucleotide position 4863. This nucleotide substitution does not change the at codon 1621. This nucleotide position is not well conserved in available vertebrate species. In silico splice site analysis predicts that this alteration will result in the creation or strengthening of a novel splice acceptor site. Since supporting evidence is limited at this time, the clinical significance of this alteration remains unclear.